The following continues an entry in ClinVar:

NM_007294.4(BRCA1):c.3548A>G (p.Lys1183Arg)

ClinVar aggregate classification (germline): Benign. Benign (1). ClinVar aggregate classification (somatic clinical impact): Tier IV - Benign/Likely benign.

Submissions 17 to 38 of 38:

Laboratory for Molecular Medicine, Mass General Brigham Personalized Medicine
Classification: Benign. Last evaluated: 2016-12-19. Review status: criteria provided, single submitter. Criteria: LMM Criteria. Collection method: clinical testing. Allele origin: germline. Observed: 10 variant alleles. Not counted in ClinVar's aggregate classification.
Comment: This variant is not expected to have clinical significance because it has been i dentified in 50% (8252/16506) of South Asian, including 2129 homozygotes, and 39 % (2602/66384) of European chromosomes, including 3592 homozygotes, by the Exome Aggregation Consortium (ExAC; dbSNPrs16942). I n addition, this variant was classified as benign on August 10, 2015 by the Clin Gen- approved ENIGMA expert panel (ClinVar SCV000244342.1)

Eurofins Ntd Llc (ga)
Classification: Benign. Last evaluated: 2016-01-07. Review status: criteria provided, single submitter. Criteria: EGL Classification Definitions 2015. Collection method: clinical testing. Allele origin: germline. Observed: 217 variant alleles, 183 heterozygotes, 34 homozygotes. Not counted in ClinVar's aggregate classification.

Ambry Genetics
Classification: Benign for Hereditary cancer-predisposing syndrome. Last evaluated: 2015-11-13. Review status: criteria provided, single submitter. Criteria: Ambry Variant Classification Scheme 2023. Collection method: clinical testing. Allele origin: germline. Not counted in ClinVar's aggregate classification.

Clinical Genetics DNA and cytogenetics Diagnostics Lab, Erasmus MC, Erasmus Medical Center
Classification: Benign for Breast-ovarian cancer, familial, susceptibility to, 1. Last evaluated: 2015-09-21. Review status: criteria provided, single submitter. Criteria: ACGS Guidelines, 2013. Collection method: clinical testing. Allele origin: germline. Affected: yes. Study: VKGL Data-share Consensus. Not counted in ClinVar's aggregate classification.

Color Diagnostics, LLC DBA Color Health
Classification: Benign for Hereditary cancer-predisposing syndrome. Last evaluated: 2014-11-04. Review status: criteria provided, single submitter. Criteria: ACMG Guidelines, 2015. Collection method: clinical testing. Allele origin: germline. Not counted in ClinVar's aggregate classification.

Molecular Genetics Laboratory, University of Michigan
Classification: Benign for Breast-ovarian cancer, familial, susceptibility to, 1. Last evaluated: 2014-11-03. Review status: criteria provided, single submitter. Criteria: ACMG Guidelines, 2015. Collection method: clinical testing. Allele origin: germline. Affected: yes. Not counted in ClinVar's aggregate classification.

Genome Diagnostics Laboratory, University Medical Center Utrecht
Classification: Benign for Breast-ovarian cancer, familial, susceptibility to, 1. Last evaluated: 2014-10-09. Review status: criteria provided, single submitter. Criteria: ACGS Guidelines, 2013. Collection method: clinical testing. Allele origin: germline. Affected: yes. Study: VKGL Data-share Consensus. Not counted in ClinVar's aggregate classification.

Women's Health and Genetics/Laboratory Corporation of America, LabCorp
Classification: Benign for Hereditary breast ovarian cancer syndrome. Last evaluated: 2013-12-19. Review status: criteria provided, single submitter. Criteria: LabCorp Variant Classification Summary - May 2015. Collection method: clinical testing. Allele origin: germline. Not counted in ClinVar's aggregate classification.

Breakthrough Genomics
Classification: Benign. Review status: criteria provided, single submitter. Criteria: ACMG Guidelines, 2015. Collection method: not provided. Allele origin: germline. Inheritance: Autosomal recessive inheritance. Affected: yes. Not counted in ClinVar's aggregate classification.

GreenArray Genomic Research & Solutions of Accurate Diagnostic Private Limited
Classification: Benign for Breast-ovarian cancer, familial, susceptibility to, 1. Review status: criteria provided, single submitter. Criteria: ACMG Guidelines, 2015. Collection method: clinical testing. Allele origin: germline. Affected: no. Not counted in ClinVar's aggregate classification.

PreventionGenetics, part of Exact Sciences
Classification: Benign. Review status: criteria provided, single submitter. Criteria: ACMG Guidelines, 2015. Collection method: clinical testing. Allele origin: germline. Not counted in ClinVar's aggregate classification.

Mayo Clinic Laboratories, Mayo Clinic
Classification: Benign. Last evaluated: 2015-10-02. Review status: no assertion criteria provided. Collection method: clinical testing. Allele origin: unknown. Not counted in ClinVar's aggregate classification.

Counsyl
Classification: Benign for Breast-ovarian cancer, familial 1. Last evaluated: 2014-01-02. Review status: no assertion criteria provided. Collection method: literature only. Allele origin: unknown. Inheritance: Autosomal dominant inheritance. Not counted in ClinVar's aggregate classification.
Comment: High frequency in a 1kG or ESP population: 32.4 %. This submission and the accompanying classification are no longer maintained by the submitter.

ITMI
No classification provided. Condition: AllHighlyPenetrant. Last evaluated: 2013-09-19. Review status: no classification provided. Collection method: reference population. Allele origin: germline. Not counted in ClinVar's aggregate classification.
Comment: Please see associated publication for description of ethnicities

Biesecker Lab/Clinical Genomics Section, National Institutes of Health
Classification: Benign. Last evaluated: 2012-07-13. Review status: no assertion criteria provided. Collection method: research. Allele origin: germline. Affected: no. Observed: 309 variant alleles. Study: ClinSeq. Not counted in ClinVar's aggregate classification.
ClinVar note: Converted during submission from no known pathogenicity to Benign.

Sharing Clinical Reports Project (SCRP)
Classification: Benign for Breast-ovarian cancer, familial 1. Last evaluated: 2011-03-22. Review status: no assertion criteria provided. Collection method: clinical testing. Allele origin: germline. Not counted in ClinVar's aggregate classification.

Breast Cancer Information Core (BIC) (BRCA1)
Classification: Benign for Breast-ovarian cancer, familial 1. Last evaluated: 2004-02-20. Review status: no assertion criteria provided. Collection method: clinical testing. Allele origin: germline, unknown. Affected: yes. Observed: 587 variant alleles. Not counted in ClinVar's aggregate classification.

Clinical Genetics Laboratory, Department of Pathology, Netherlands Cancer Institute
Classification: Benign. Review status: no assertion criteria provided. Collection method: clinical testing. Allele origin: germline. Affected: yes. Study: VKGL Data-share Consensus. Not counted in ClinVar's aggregate classification.

Department of Pathology and Laboratory Medicine, Sinai Health System
Classification: Benign. Review status: no assertion criteria provided. Collection method: clinical testing. Allele origin: unknown. Affected: yes. Study: The Canadian Open Genetics Repository (COGR). Not counted in ClinVar's aggregate classification.

Diagnostic Laboratory, Department of Genetics, University Medical Center Groningen
Classification: Benign for Breast-ovarian cancer, familial, susceptibility to, 1. Review status: no assertion criteria provided. Collection method: clinical testing. Allele origin: germline. Affected: yes. Study: VKGL Data-share Consensus. Not counted in ClinVar's aggregate classification.

Faculté Pluridciplinaire Nador, Université Mohamed Premier
Classification: Tier IV - Benign/Likely benign for Familial cancer of breast. Review status: no assertion criteria provided. Collection method: research. Allele origin: somatic. Affected: yes.
Comment: The following databases and algorithms are used to annotate and evaluate the impact of the variant in the context of human disease: 1000 genomes, gnomAD, ClinVar, OMIM, dbSNP, NCIB RefSeq Genes, ExAC Gene Constraints, VS-SIFT, VS-PolyPhen2, PhyloP, GERP++, GeneSplicer, MaxEntScan, NNSplice, PWM Splice Predictor.

Joint Genome Diagnostic Labs from Nijmegen and Maastricht, Radboudumc and MUMC+
Classification: Benign. Review status: no assertion criteria provided. Collection method: clinical testing. Allele origin: germline. Affected: yes. Study: VKGL Data-share Consensus. Not counted in ClinVar's aggregate classification.

Literature cited by the submitters: PubMed 21990134 (cited by Evidence-based Network for the Interpretation of Germline Mutant Alleles (ENIGMA)); DOI 10.3389/fgene.2022.834265 (cited by National Health Laboratory Service, Universitas Academic Hospital and University of the Free State); PubMed 36329109 (cited by Genetics Program, Instituto Nacional de Cancer); PubMed 20104584 (cited by Women's Health and Genetics/Laboratory Corporation of America, LabCorp); PubMed 21702907 (cited by Women's Health and Genetics/Laboratory Corporation of America, LabCorp); PubMed 12872265 (cited by Women's Health and Genetics/Laboratory Corporation of America, LabCorp); PubMed 24728327 (cited by ITMI); Konstantopoulou et al, Hu Mut 2000 (cited by Breast Cancer Information Core (BIC) (BRCA1)); Ladopolou-et-al.,-Cancer-Lett,-185:61,-2002 (cited by Breast Cancer Information Core (BIC) (BRCA1)).